The following is an entry in ClinVar:

ClinVar aggregate classification (germline): Uncertain significance (1 of 4 stars; one submission).

Submission:

Labcorp Genetics (formerly Invitae), Labcorp
Classification: Uncertain significance. Last evaluated: 2023-11-20. Review status: criteria provided, single submitter. Criteria: Invitae Variant Classification Sherloc (09022015). Collection method: clinical testing. Allele origin: germline.
Comment: This sequence change replaces alanine, which is neutral and non-polar, with threonine, which is neutral and polar, at codon 2040 of the DCHS1 protein (p.Ala2040Thr). This variant is not present in population databases (gnomAD no frequency). This variant has not been reported in the literature in individuals affected with DCHS1-related conditions. Advanced modeling of protein sequence and biophysical properties (such as structural, functional, and spatial information, amino acid conservation, physicochemical variation, residue mobility, and thermodynamic stability) has been performed at Invitae for this missense variant, however the output from this modeling did not meet the statistical confidence thresholds required to predict the impact of this variant on DCHS1 protein function. In summary, the available evidence is currently insufficient to determine the role of this variant in disease. Therefore, it has been classified as a Variant of Uncertain Significance.

NM_003737.4(DCHS1):c.6118G>A (p.Ala2040Thr)

Gene: DCHS1 (dachsous cadherin-related 1; minus strand). Cytogenetic location: 11p15.4.
Variant type: single nucleotide variant.
Coding change: c.6118G>A on transcript NM_003737.4 (MANE Select); coding-DNA position 6118, G replaced by A.
Protein change: p.Ala2040Thr; replaces alanine 2040 with threonine.
Molecular consequence: missense variant.
Genome position (GRCh38, 1-based): chr11:6,626,921, C>T on the plus strand (G>A on the coding strand, the complement: DCHS1 is on the minus strand). VCF-style: chr11-6626921-C-T. GRCh37 (hg19) VCF-style: chr11-6648152-C-T.
Other names: short protein forms A2040T.
Identifiers: ClinVar variation 2697784 (VCV002697784.3), dbSNP rs2493818193, ClinGen allele CA379389209.
Genomic context (GRCh38, chr11:6,626,921, plus strand): 5'-CCTGCAGTCCAACAATGATCACACCAGTGGCAGAGCGAGCTGGACGGCCAAGATCAGTGG[C>T]CACAATGAAGAGGACACGATCTCGGGGGCCTAGAGCTACAGGAGAGCGGGCCACGCGGAT-3'
Protein context (NP_003728.1, residues 2030-2050): GPRDRVLFIV[Ala2040Thr]TDLGRPARSA